The following is an entry in ClinVar:

ClinVar aggregate classification (germline): Likely benign. Review status: criteria provided, multiple submitters, no conflicts (2 of 4 stars). 2 submissions from 2 submitters: Likely benign (2). Last evaluated 2024-08-30.

Allele frequency attached by ClinVar (database versions not stated): ESP Exome Variant Server 0.00206; TOPMed 0.00243; 1000 Genomes Project 30x 0.00297; 1000 Genomes Project 0.00300.
gnomAD v4.1: 597 of 1,572,596 alleles (0.038%); highest among the groups gnomAD compares: African/African-American, 0.75%; 3 homozygotes.

Submissions (2):

Blueprint Genetics
Classification: Likely benign. Last evaluated: 2024-08-30. Review status: criteria provided, single submitter. Criteria: ACMG Guidelines, 2015. Collection method: clinical testing. Allele origin: germline.

CeGaT Center for Human Genetics Tuebingen
Classification: Likely benign. Last evaluated: 2022-06-01. Review status: criteria provided, single submitter. Criteria: CeGaT Center For Human Genetics Tuebingen Variant Classification Criteria Version 2. Collection method: clinical testing. Allele origin: germline. Affected: yes. Observed: 1 variant allele.
Comment: C1R: BP4, BP7

NM_001733.7(C1R):c.2100G>A (p.Glu700=)

Gene: C1R (complement C1r; minus strand). Cytogenetic location: 12p13.31.
Variant type: single nucleotide variant.
Coding change: c.2100G>A on transcript NM_001733.7 (MANE Select); coding-DNA position 2100, G replaced by A.
Protein change: p.Glu700=; no amino-acid change (glutamic acid 700 retained).
Molecular consequence: synonymous variant.
Genome position (GRCh38, 1-based): chr12:7,080,550, C>T on the plus strand (G>A on the coding strand, the complement: C1R is on the minus strand). VCF-style: chr12-7080550-C-T. GRCh37 (hg19) VCF-style: chr12-7187854-C-T.
Other names: c.2142G>A, p.Glu714= (NM_001354346.2).
Identifiers: ClinVar variation 2642662 (VCV002642662.25), dbSNP rs142443527, ClinGen allele CA6423909.
Genomic context (GRCh38, chr12:7,080,550, plus strand): 5'-TTCCACACTGCTCTCTGGATTCGAACCTAGTGAATTCTGGGCTCAGTCCTCCTCCTCCAT[C>T]TCTTTCTTGATCCAGTCCACGTAGTTGAGCACTTTGGTGTAGAAGCCATAGCCCCTGCTG-3'
Protein context (NP_001724.4, residues 690-705): VLNYVDWIKK[Glu700=]MEEED